The following is an entry in ClinVar:

ClinVar aggregate classification (germline): Uncertain significance (1 of 4 stars; one submission).

Submission:

Women's Health and Genetics/Laboratory Corporation of America, LabCorp
Classification: Uncertain significance. Last evaluated: 2026-03-12. Review status: criteria provided, single submitter. Criteria: LabCorp Variant Classification Summary - May 2015. Collection method: clinical testing. Allele origin: germline.
Comment: Variant summary: KIF4A c.1736T>C (p.Val579Ala) results in a non-conservative amino acid change in the encoded protein sequence. Algorithms developed to predict the effect of missense changes on protein structure and function are either unavailable or do not agree on the potential impact of this missense change. The variant was absent in 182020 control chromosomes. The available data on variant occurrences in the general population are insufficient to allow any conclusion about variant significance. To our knowledge, no occurrence of c.1736T>C in individuals affected with KIF4A-related conditions and no experimental evidence demonstrating its impact on protein function have been reported. No submitters have cited clinical-significance assessments for this variant to ClinVar. Based on the evidence outlined above, the variant was classified as uncertain significance.

NM_012310.5(KIF4A):c.1736T>C (p.Val579Ala)

Gene: KIF4A (kinesin family member 4A; plus strand). Cytogenetic location: Xq13.1.
Variant type: single nucleotide variant.
Coding change: c.1736T>C on transcript NM_012310.5 (MANE Select); coding-DNA position 1736, T replaced by C.
Protein change: p.Val579Ala; replaces valine 579 with alanine.
Molecular consequence: missense variant.
Genome position (GRCh38, 1-based): chrX:70,374,212, T>C. VCF-style: chrX-70374212-T-C. GRCh37 (hg19) VCF-style: chrX-69594062-T-C.
Other names: short protein forms V579A.
Identifiers: ClinVar variation 4847305 (VCV004847305.1).
Genomic context (GRCh38, chrX:70,374,212, plus strand): 5'-ATAACATAAAAGAGCTAGAATTAGAAGTCATCAATCTGCAAAAGGAAAAGGAAGAATTGG[T>C]TCTTGAACTTCAGACAGCAAAGAAGGATGCCAACCAAGCCAAGTAAGAATAAAGTTAATA-3'
Protein context (NP_036442.3, residues 569-589): INLQKEKEEL[Val579Ala]LELQTAKKDA